The following is an entry in ClinVar:

ClinVar aggregate classification (germline): Benign. Review status: reviewed by expert panel (3 of 4 stars). 9 submissions from 9 submitters: Benign (1). 8 of the submissions do not count toward it. Last evaluated 2015-01-12.

Conditions:
Hereditary cancer-predisposing syndrome. Also called: Tumor predisposition; Hereditary Cancer Syndrome; Neoplastic Syndromes, Hereditary; Hereditary neoplastic syndrome. Identifiers: Orphanet 140162, MedGen C0027672, MeSH D009386, MONDO:0015356.
Breast-ovarian cancer, familial, susceptibility to, 2 (BROVCA2). Also called: BRCA2 Hereditary Breast and Ovarian Cancer. Identifiers: Orphanet 145, MedGen C2675520, MONDO:0012933, OMIM 612555. Disease mechanism: loss of function.

Allele frequency attached by ClinVar (database versions not stated): gnomAD 0.03704 and 0.04105; TOPMed 0.04252; gnomAD exomes 0.04403; 1000 Genomes Project 0.07428; 1000 Genomes Project 30x 0.07464.
gnomAD v4.1: 50,474 of 1,154,466 alleles (4.4%); highest among the groups gnomAD compares: East Asian, 12%; 1,763 homozygotes.

Submissions (9):

Evidence-based Network for the Interpretation of Germline Mutant Alleles (ENIGMA)
Classification: Benign for Breast-ovarian cancer, familial 2. Last evaluated: 2015-01-12. Review status: reviewed by expert panel. Criteria: ENIGMA BRCA1/2 Classification Criteria (2015). Collection method: curation. Allele origin: germline.
Comment: Class 1 not pathogenic based on frequency >1% in an outbred sampleset. Frequency 0.1049 (Asian), 0.01423 (African), 0.03694 (European), derived from 1000 genomes (2012-04-30).

GeneKor MSA
Classification: Benign. Last evaluated: 2017-11-01. Review status: criteria provided, single submitter. Criteria: ACMG Guidelines, 2015. Collection method: clinical testing. Allele origin: germline. Affected: yes. Not counted in ClinVar's aggregate classification.

Ambry Genetics
Classification: Benign for Hereditary cancer-predisposing syndrome. Last evaluated: 2014-11-19. Review status: criteria provided, single submitter. Criteria: Ambry Variant Classification Scheme 2023. Collection method: clinical testing. Allele origin: germline. Not counted in ClinVar's aggregate classification.

Genome Diagnostics Laboratory, University Medical Center Utrecht
Classification: Benign for Breast-ovarian cancer, familial, susceptibility to, 2. Last evaluated: 2014-10-09. Review status: criteria provided, single submitter. Criteria: ACGS Guidelines, 2013. Collection method: clinical testing. Allele origin: germline. Affected: yes. Study: VKGL Data-share Consensus. Not counted in ClinVar's aggregate classification.

Breakthrough Genomics
Classification: Benign. Review status: criteria provided, single submitter. Criteria: ACMG Guidelines, 2015. Collection method: not provided. Allele origin: germline. Inheritance: Autosomal recessive inheritance. Affected: yes. Not counted in ClinVar's aggregate classification.

Department of Pathology and Laboratory Medicine, Sinai Health System
Classification: Benign. Review status: criteria provided, single submitter. Criteria: ACMG Guidelines, 2015. Collection method: clinical testing. Allele origin: germline. Affected: yes. Study: The Canadian Open Genetics Repository (COGR). Not counted in ClinVar's aggregate classification.

Breast Cancer Information Core (BIC) (BRCA2)
Classification: Uncertain significance for Breast-ovarian cancer, familial 2. Last evaluated: 2000-06-12. Review status: no assertion criteria provided. Collection method: clinical testing. Allele origin: germline. Affected: yes. Observed: 35 variant alleles. Not counted in ClinVar's aggregate classification.

Clinical Genetics Laboratory, Department of Pathology, Netherlands Cancer Institute
Classification: Benign. Review status: no assertion criteria provided. Collection method: clinical testing. Allele origin: germline. Affected: yes. Study: VKGL Data-share Consensus. Not counted in ClinVar's aggregate classification.

Joint Genome Diagnostic Labs from Nijmegen and Maastricht, Radboudumc and MUMC+
Classification: Benign. Review status: no assertion criteria provided. Collection method: clinical testing. Allele origin: germline. Affected: yes. Study: VKGL Data-share Consensus. Not counted in ClinVar's aggregate classification.

NM_000059.4(BRCA2):c.426-89T>C

Gene: BRCA2 (BRCA2 DNA repair associated; plus strand). Cytogenetic location: 13q13.1.
Variant type: single nucleotide variant.
Coding change: c.426-89T>C on transcript NM_000059.4 (MANE Select); 89 bases into the intron before coding-DNA position 426, T replaced by C.
Molecular consequence: intron variant.
Genome position (GRCh38, 1-based): chr13:32,326,012, T>C. VCF-style: chr13-32326012-T-C. GRCh37 (hg19) VCF-style: chr13-32900149-T-C.
Other names: IVS4-89T>C; IVS 4-89T>C.
Identifiers: ClinVar variation 126098 (VCV000126098.9), dbSNP rs3783265, ClinGen allele CA019868.
Genomic context (GRCh38, chr13:32,326,012, plus strand): 5'-GAGATTTACTTTTTAAAATGTAATATAAAATATCTAAAAGTAGTATTCCAACAATTTATA[T>C]GAATGAGAATCTTCTTTTAAAAATAAGATAAACTAGTTTTTGCCAGTTTTTTAAAATAAC-3'